The following is an entry in ClinVar:

ClinVar aggregate classification (germline): Uncertain significance (1 of 4 stars; one submission).

Allele frequency attached by ClinVar (database versions not stated): gnomAD exomes below 0.00001.
gnomAD v4.1: 1 of 1,613,920 alleles (0.000062%); highest among the groups gnomAD compares: Non-Finnish European, 0.000085%; no homozygotes.

Submission:

GeneDx
Classification: Uncertain significance. Last evaluated: 2020-01-18. Review status: criteria provided, single submitter. Criteria: GeneDx Variant Classification Process June 2021. Collection method: clinical testing. Allele origin: germline. Affected: yes.
Comment: Not observed in large population cohorts (Lek et al., 2016); In silico analysis supports that this missense variant has a deleterious effect on protein structure/function; Has not been previously published as pathogenic or benign to our knowledge

NM_005357.4(LIPE):c.1559C>T (p.Pro520Leu)

Genes: LIPE (lipase E, hormone sensitive type; minus strand), LIPE-AS1 (LIPE antisense RNA 1; plus strand), LOC101930071 (uncharacterized LOC101930071; plus strand). Cytogenetic location: 19q13.2.
Variant type: single nucleotide variant.
Coding change: c.1559C>T on transcript NM_005357.4 (MANE Select); coding-DNA position 1559, C replaced by T.
Protein change: p.Pro520Leu; replaces proline 520 with leucine.
Molecular consequence: missense variant.
Genome position (GRCh38, 1-based): chr19:42,408,073, G>A on the plus strand (C>T on the coding strand, the complement: LIPE is on the minus strand). VCF-style: chr19-42408073-G-A. GRCh37 (hg19) VCF-style: chr19-42912225-G-A.
Other names: short protein forms P520L.
Identifiers: ClinVar variation 1300414 (VCV001300414.2), dbSNP rs775696375, ClinGen allele CA406101240.